The following is an entry in ClinVar:

NM_153006.3(NAGS):c.857G>A (p.Arg286Gln)

Gene: NAGS (N-acetylglutamate synthase; plus strand). Cytogenetic location: 17q21.31.
Variant type: single nucleotide variant.
Coding change: c.857G>A on transcript NM_153006.3 (MANE Select); coding-DNA position 857, G replaced by A.
Protein change: p.Arg286Gln; replaces arginine 286 with glutamine.
Molecular consequence: missense variant.
Genome position (GRCh38, 1-based): chr17:44,006,179, G>A. VCF-style: chr17-44006179-G-A. GRCh37 (hg19) VCF-style: chr17-42083547-G-A.
Other names: short protein forms R286Q.
Identifiers: ClinVar variation 1484667 (VCV001484667.3), dbSNP rs2049088201, ClinGen allele CA399725742.

ClinVar aggregate classification (germline): Uncertain significance (1 of 4 stars; one submission).

Conditions:
Hyperammonemia, type III (NAGSD). Also called: Hyperammonemia due to N-acetylglutamate synthase deficiency. Identifiers: Orphanet 927, MedGen C0268543, MONDO:0009377, OMIM 237310.

Allele frequency attached by ClinVar (database versions not stated): gnomAD exomes below 0.00001.

Submission:

Labcorp Genetics (formerly Invitae), Labcorp
Classification: Uncertain significance for Hyperammonemia, type III. Last evaluated: 2022-06-27. Review status: criteria provided, single submitter. Criteria: Invitae Variant Classification Sherloc (09022015). Collection method: clinical testing. Allele origin: germline.
Comment: This sequence change replaces arginine, which is basic and polar, with glutamine, which is neutral and polar, at codon 286 of the NAGS protein (p.Arg286Gln). This variant is not present in population databases (gnomAD no frequency). This variant has not been reported in the literature in individuals affected with NAGS-related conditions. Algorithms developed to predict the effect of missense changes on protein structure and function output the following: SIFT: "Tolerated"; PolyPhen-2: "Benign"; Align-GVGD: "Class C0". The glutamine amino acid residue is found in multiple mammalian species, which suggests that this missense change does not adversely affect protein function. In summary, the available evidence is currently insufficient to determine the role of this variant in disease. Therefore, it has been classified as a Variant of Uncertain Significance.